The following is an entry in ClinVar:

NM_015978.3(TNNI3K):c.1526A>T (p.Glu509Val)

Genes: FPGT-TNNI3K (FPGT-TNNI3K readthrough; plus strand), TNNI3K (TNNI3 interacting kinase; plus strand). Cytogenetic location: 1p31.1.
Variant type: single nucleotide variant.
Coding change: c.1526A>T on transcript NM_015978.3 (MANE Select); coding-DNA position 1526, A replaced by T.
Protein change: p.Glu509Val; replaces glutamic acid 509 with valine.
Molecular consequence: missense variant.
Genome position (GRCh38, 1-based): chr1:74,369,444, A>T. VCF-style: chr1-74369444-A-T. GRCh37 (hg19) VCF-style: chr1-74835128-A-T.
Other names: c.1829A>T, p.Glu610Val (NM_001112808.3, NM_001199327.2); c.1526A>T (NM_015978.2); short protein forms E610V, E509V.
Identifiers: ClinVar variation 1468043 (VCV001468043.10), dbSNP rs760008465, ClinGen allele CA909323.

ClinVar aggregate classification (germline): Uncertain significance. Review status: criteria provided, multiple submitters, no conflicts (2 of 4 stars). 3 submissions from 3 submitters: Uncertain significance (2). 1 of the submissions does not count toward it. Last evaluated 2025-09-28.

Conditions:
Meniere disease. Also called: Ménière's disease. Identifiers: MedGen C0025281, MONDO:0007972, OMIM 156000.
Inborn genetic diseases. Identifiers: MedGen C0950123, MeSH D030342.

Allele frequency attached by ClinVar (database versions not stated): gnomAD exomes below 0.00001 and 0.00001; TOPMed below 0.00001; ExAC 0.00001; gnomAD 0.00001.
gnomAD v4.1: 10 of 1,612,396 alleles (0.00062%); highest among the groups gnomAD compares: Non-Finnish European, 0.00085%; no homozygotes.

Submissions (3):

Ambry Genetics
Classification: Uncertain significance for Inborn genetic diseases. Last evaluated: 2025-09-28. Review status: criteria provided, single submitter. Criteria: Ambry Variant Classification Scheme 2023. Collection method: clinical testing. Allele origin: germline.

Labcorp Genetics (formerly Invitae), Labcorp
Classification: Uncertain significance. Last evaluated: 2025-09-19. Review status: criteria provided, single submitter. Criteria: Invitae Variant Classification Sherloc (09022015). Collection method: clinical testing. Allele origin: germline.
Comment: This sequence change replaces glutamic acid, which is acidic and polar, with valine, which is neutral and non-polar, at codon 509 of the TNNI3K protein (p.Glu509Val). This variant is present in population databases (rs760008465, gnomAD 0.0009%). This variant has not been reported in the literature in individuals affected with TNNI3K-related conditions. ClinVar contains an entry for this variant (Variation ID: 1468043). Invitae Evidence Modeling of protein sequence and biophysical properties (such as structural, functional, and spatial information, amino acid conservation, physicochemical variation, residue mobility, and thermodynamic stability) has been performed for this missense variant. However, the output from this modeling did not meet the statistical confidence thresholds required to predict the impact of this variant on TNNI3K protein function. In summary, the available evidence is currently insufficient to determine the role of this variant in disease. Therefore, it has been classified as a Variant of Uncertain Significance.

Center for Computational Biology & Bioinformatics, University of California, San Diego
Classification: Uncertain significance for Meniere disease. Last evaluated: 2024-06-03. Review status: no assertion criteria provided. Collection method: research. Allele origin: germline. Affected: yes. Not counted in ClinVar's aggregate classification.